The following is an entry in ClinVar:

ClinVar aggregate classification (germline): Uncertain significance (1 of 4 stars; one submission).

Allele frequency attached by ClinVar (database versions not stated): gnomAD exomes 0.00003; TOPMed 0.00005; gnomAD 0.00006; ExAC 0.00007; ESP Exome Variant Server 0.00015.
gnomAD v4.1: 49 of 1,608,822 alleles (0.003%); highest among the groups gnomAD compares: Non-Finnish European, 0.0037%; no homozygotes.

Submission:

Labcorp Genetics (formerly Invitae), Labcorp
Classification: Uncertain significance. Last evaluated: 2022-08-10. Review status: criteria provided, single submitter. Criteria: Invitae Variant Classification Sherloc (09022015). Collection method: clinical testing. Allele origin: germline.
Comment: Algorithms developed to predict the effect of missense changes on protein structure and function (SIFT, PolyPhen-2, Align-GVGD) all suggest that this variant is likely to be tolerated. In summary, the available evidence is currently insufficient to determine the role of this variant in disease. Therefore, it has been classified as a Variant of Uncertain Significance. This variant has not been reported in the literature in individuals affected with EIF2AK1-related conditions. The frequency data for this variant in the population databases is considered unreliable, as metrics indicate poor data quality at this position in the gnomAD database. This sequence change replaces valine, which is neutral and non-polar, with isoleucine, which is neutral and non-polar, at codon 135 of the EIF2AK1 protein (p.Val135Ile).

NM_014413.4(EIF2AK1):c.403G>A (p.Val135Ile)

Gene: EIF2AK1 (eukaryotic translation initiation factor 2 alpha kinase 1; minus strand). Cytogenetic location: 7p22.1.
Variant type: single nucleotide variant.
Coding change: c.403G>A on transcript NM_014413.4 (MANE Select); coding-DNA position 403, G replaced by A.
Protein change: p.Val135Ile; replaces valine 135 with isoleucine.
Molecular consequence: missense variant.
Genome position (GRCh38, 1-based): chr7:6,049,920, C>T on the plus strand (G>A on the coding strand, the complement: EIF2AK1 is on the minus strand). VCF-style: chr7-6049920-C-T. GRCh37 (hg19) VCF-style: chr7-6089551-C-T.
Other names: c.403G>A, p.Val135Ile (NM_001134335.2); short protein forms V135I.
Identifiers: ClinVar variation 2048168 (VCV002048168.4), dbSNP rs370317332, ClinGen allele CA4151244.